The following is an entry in ClinVar:

ClinVar aggregate classification (germline): Uncertain significance. Review status: criteria provided, multiple submitters, no conflicts (2 of 4 stars). 4 submissions from 4 submitters: Uncertain significance (3). 1 of the submissions does not count toward it. Last evaluated 2025-10-15.

Conditions:
Hereditary cancer-predisposing syndrome. Also called: Hereditary neoplastic syndrome; Neoplastic Syndromes, Hereditary; Tumor predisposition; Hereditary Cancer Syndrome. Identifiers: Orphanet 140162, MedGen C0027672, MeSH D009386, MONDO:0015356.
Ataxia-telangiectasia syndrome (AT). Also called: LOUIS-BAR SYNDROME; Cerebello-oculocutaneous telangiectasia; Immunodeficiency with ataxia telangiectasia; AT, COMPLEMENTATION GROUP C; Ataxia-telangiectasia, complementation group D; ATAXIA-TELANGIECTASIA, COMPLEMENTATION GROUP A. Identifiers: Orphanet 100, MedGen C0004135, MONDO:0008840, OMIM 208900.

Allele frequency attached by ClinVar (database versions not stated): gnomAD exomes below 0.00001.
gnomAD v4.1: 2 of 1,612,970 alleles (0.00012%); highest among the groups gnomAD compares: Admixed American, 0.0017%; no homozygotes.

Submissions (4):

Ambry Genetics
Classification: Uncertain significance for Hereditary cancer-predisposing syndrome. Last evaluated: 2025-10-15. Review status: criteria provided, single submitter. Criteria: Ambry Variant Classification Scheme 2023. Collection method: clinical testing. Allele origin: germline.
Comment: The p.D985G variant (also known as c.2954A>G), located in coding exon 19 of the ATM gene, results from an A to G substitution at nucleotide position 2954. The aspartic acid at codon 985 is replaced by glycine, an amino acid with similar properties. In an assay testing ATM function, this variant showed a functionally normal result (Lee KS et al. Cell, 2025 Sep;188:5081-5099.e27). This amino acid position is not well conserved in available vertebrate species. In addition, the in silico prediction for this alteration is inconclusive. Based on the available evidence, the clinical significance of this variant remains unclear.

Labcorp Genetics (formerly Invitae), Labcorp
Classification: Uncertain significance for Ataxia-telangiectasia syndrome. Last evaluated: 2022-12-16. Review status: criteria provided, single submitter. Criteria: Invitae Variant Classification Sherloc (09022015). Collection method: clinical testing. Allele origin: germline.
Comment: This variant is present in population databases (no rsID available, gnomAD 0.003%). This variant has not been reported in the literature in individuals affected with ATM-related conditions. ClinVar contains an entry for this variant (Variation ID: 485165). Algorithms developed to predict the effect of missense changes on protein structure and function (SIFT, PolyPhen-2, Align-GVGD) all suggest that this variant is likely to be tolerated. In summary, the available evidence is currently insufficient to determine the role of this variant in disease. Therefore, it has been classified as a Variant of Uncertain Significance. This sequence change replaces aspartic acid, which is acidic and polar, with glycine, which is neutral and non-polar, at codon 985 of the ATM protein (p.Asp985Gly).

Color Diagnostics, LLC DBA Color Health
Classification: Uncertain significance for Hereditary cancer-predisposing syndrome. Last evaluated: 2019-04-10. Review status: criteria provided, single submitter. Criteria: ACMG Guidelines, 2015. Collection method: clinical testing. Allele origin: germline.

Natera, Inc.
Classification: Uncertain significance for Ataxia-telangiectasia. Last evaluated: 2021-08-31. Review status: no assertion criteria provided. Collection method: clinical testing. Allele origin: germline. Not counted in ClinVar's aggregate classification.

Literature cited by the submitters: PubMed 40580951 (cited by Ambry Genetics).

NM_000051.4(ATM):c.2954A>G (p.Asp985Gly)

Gene: ATM (ATM serine/threonine kinase; plus strand). Cytogenetic location: 11q22.3.
Variant type: single nucleotide variant.
Coding change: c.2954A>G on transcript NM_000051.4 (MANE Select); coding-DNA position 2954, A replaced by G.
Protein change: p.Asp985Gly; replaces aspartic acid 985 with glycine.
Molecular consequence: missense variant.
Genome position (GRCh38, 1-based): chr11:108,271,283, A>G. VCF-style: chr11-108271283-A-G. GRCh37 (hg19) VCF-style: chr11-108142010-A-G.
Other names: c.2954A>G, p.Asp985Gly (NM_001351834.2); short protein forms D985G.
Identifiers: ClinVar variation 485165 (VCV000485165.23), dbSNP rs864622159, ClinGen allele CA382547197.